The following is an entry in ClinVar:

ClinVar aggregate classification (germline): Pathogenic (1 of 4 stars; one submission).

Submission:

Clinical Genomics Laboratory, Laboratory for Precision Diagnostics, University of Washington
Classification: Pathogenic. Last evaluated: 2024-07-24. Review status: criteria provided, single submitter. Criteria: ACMG/ClinGen CNV Guidelines, 2019. Collection method: clinical testing. Allele origin: paternal. Affected: yes. Observed: 1 variant allele.
Comment: This deletion is approximately 1.41 Mb in size containing 9 protein-coding genes and fully encompasses the distal 1q21.1 recurrent microdeletion region. This deletion is recurrent and is sometimes referred to as the distal 1q21.1 microdeletion in the medical literature. Some people with this deletion have no obvious clinical differences. Others have variable findings, the most common of which are mildly distinctive facial features, mild-to-moderate developmental delays (speech delay is most frequent), and gastrointestinal problems such as feeding problems, chronic constipation, reflux, and trouble swallowing (PMID:33576134, NBK:52787). Congenital heart defects are found in 10-25% of people with this deletion. Other differences may include a small head circumference, eye and kidney abnormalities, failure to thrive, and short stature.

Literature cited by the submitters: PubMed 33576134.

GRCh38/hg38 1q21.1-21.2(chr1:147029795-148437977)x1

Genes: ACP6 (acid phosphatase 6, lysophosphatidic; minus strand), BCL9 (BCL9 transcription coactivator; plus strand), CHD1L (chromodomain helicase DNA binding protein 1 like; plus strand), FMO5 (flavin containing dimethylaniline monoxygenase 5; minus strand), GJA5 (gap junction protein alpha 5; minus strand) and 52 more. Cytogenetic location: 1q21.1-21.2.
Variant type: copy number loss.
Change: copy number 1 (one copy instead of two) of chr1:147,029,795-148,437,977 (1.41 Mb, GRCh38 coordinates, 1-based), cytogenetic band 1q21.1-21.2.
Identifiers: ClinVar variation 4974751 (VCV004974751.1).